The following is an entry in ClinVar:

NM_018059.5(RADIL):c.2605C>G (p.Leu869Val)

Gene: RADIL (Rap associating with DIL domain; minus strand). Cytogenetic location: 7p22.1.
Variant type: single nucleotide variant.
Coding change: c.2605C>G on transcript NM_018059.5 (MANE Select); coding-DNA position 2605, C replaced by G.
Protein change: p.Leu869Val; replaces leucine 869 with valine.
Molecular consequence: missense variant.
Genome position (GRCh38, 1-based): chr7:4,801,890, G>C on the plus strand (C>G on the coding strand, the complement: RADIL is on the minus strand). VCF-style: chr7-4801890-G-C. GRCh37 (hg19) VCF-style: chr7-4841521-G-C.
Other names: short protein forms L869V.
Identifiers: ClinVar variation 2657261 (VCV002657261.24), dbSNP rs140056635, ClinGen allele CA4138867.

ClinVar aggregate classification (germline): Likely benign (1 of 4 stars; one submission).

Allele frequency attached by ClinVar (database versions not stated): ESP Exome Variant Server 0.00029; 1000 Genomes Project 0.00040; 1000 Genomes Project 30x 0.00047.
gnomAD v4.1: 674 of 1,586,244 alleles (0.042%); highest among the groups gnomAD compares: Middle Eastern, 0.53%; 3 homozygotes.

Submission:

CeGaT Center for Human Genetics Tuebingen
Classification: Likely benign. Last evaluated: 2022-06-01. Review status: criteria provided, single submitter. Criteria: CeGaT Center For Human Genetics Tuebingen Variant Classification Criteria Version 2. Collection method: clinical testing. Allele origin: germline. Affected: yes. Observed: 1 variant allele.
Comment: RADIL: BS2